The following is an entry in ClinVar:

ClinVar aggregate classification (germline): Likely pathogenic (1 of 4 stars; one submission).

Conditions:
Tay-Sachs disease (TSD). Also called: HEXA DEFICIENCY; HEXA Disorders; GM2 gangliosidosis, type 1; Hexosaminidase alpha-subunit deficiency (variant B); Sphingolipidosis, Tay-Sachs; Hexosaminidase A Deficiency. Identifiers: Orphanet 845, MedGen C0039373, MONDO:0010100, OMIM 272800.

Submission:

Natera, Inc.
Classification: Likely pathogenic for Tay-Sachs disease. Last evaluated: 2024-07-29. Review status: criteria provided, single submitter. Criteria: Natera Variant Classification Schema (03/2026). Collection method: clinical testing. Allele origin: germline.
Comment: The c.894T>A variant in HEXA is a nonsense variant predicted to introduce a stop codon at amino acid 298. This variant is expected to result in nonsense mediated decay, truncation, or a dysfunctional protein product. This variant is rare in the general population with a frequency below the threshold expected for the associated phenotype(s). Given the available evidence, this variant is classified as Likely Pathogenic.

NM_000520.6(HEXA):c.894T>A (p.Tyr298Ter)

Gene: HEXA (hexosaminidase subunit alpha; minus strand). Cytogenetic location: 15q23.
Variant type: single nucleotide variant.
Coding change: c.894T>A on transcript NM_000520.6 (MANE Select); coding-DNA position 894, T replaced by A.
Protein change: p.Tyr298Ter; replaces tyrosine 298 with a stop codon.
Molecular consequence: nonsense. On other transcripts: non-coding transcript variant (1).
Genome position (GRCh38, 1-based): chr15:72,349,171, A>T on the plus strand (T>A on the coding strand, the complement: HEXA is on the minus strand). VCF-style: chr15-72349171-A-T. GRCh37 (hg19) VCF-style: chr15-72641512-A-T.
Other names: c.927T>A, p.Tyr309Ter (NM_001318825.2); short protein forms Y298*, Y309*.
Identifiers: ClinVar variation 4814276 (VCV004814276.1).
Genomic context (GRCh38, chr15:72,349,171, plus strand): 5'-ATGAAGATAAAAATCTGGGAAGACAGAGCTGACTTCTAAGAAGAATGTGCTCATGAACTC[A>T]TAGGTATTATTGAGACTGGGATTCACTGGTCCAAAGGTGCCAGAGGGCTCAGACCCAGAG-3'